The following is an entry in ClinVar:

ClinVar aggregate classification (germline): Uncertain significance (1 of 4 stars; one submission).

Conditions:
Idiopathic generalized epilepsy. Also called: Generalised epilepsy; EIG. Identifiers: MedGen C0270850, MONDO:0005579, OMIM 600669.
Epilepsy, idiopathic generalized, susceptibility to, 13. Also called: EPILEPSY, JUVENILE MYOCLONIC, SUSCEPTIBILITY TO, 5. Identifiers: Orphanet 307, Orphanet 64280, MedGen C4013473, MONDO:0012627, OMIM 611136.
Epilepsy, childhood absence 4 (ECA4). Also called: EPILEPSY, CHILDHOOD ABSENCE, SUSCEPTIBILITY TO, 4. Identifiers: Orphanet 307, MedGen C1970160.

Submission:

Labcorp Genetics (formerly Invitae), Labcorp
Classification: Uncertain significance for Epilepsy, childhood absence 4; Epilepsy, idiopathic generalized, susceptibility to, 13; Idiopathic generalized epilepsy. Last evaluated: 2019-11-07. Review status: criteria provided, single submitter. Criteria: Invitae Variant Classification Sherloc (09022015). Collection method: clinical testing. Allele origin: germline.
Comment: This sequence change falls in intron 3 of the GABRA1 gene. It does not directly change the encoded amino acid sequence of the GABRA1 protein, but it affects a nucleotide within the consensus splice site of the intron. This variant is not present in population databases (ExAC no frequency). This variant has not been reported in the literature in individuals with GABRA1-related conditions. Nucleotide substitutions within the consensus splice site are a relatively common cause of aberrant splicing (PMID: 17576681, 9536098). Algorithms developed to predict the effect of sequence changes on RNA splicing suggest that this variant is not likely to affect RNA splicing, but this prediction has not been confirmed by published transcriptional studies. In summary, the available evidence is currently insufficient to determine the role of this variant in disease. Therefore, it has been classified as a Variant of Uncertain Significance.

Literature cited by the submitters: PubMed 17576681; PubMed 9536098.

NM_001127644.2(GABRA1):c.74+3_74+4delinsAT

Gene: GABRA1 (gamma-aminobutyric acid type A receptor subunit alpha1; plus strand). Cytogenetic location: 5q34.
Variant type: Indel.
Coding change: c.74+3_74+4delinsAT on transcript NM_001127644.2 (MANE Select); bases 3 to 4 of the intron after coding-DNA position 74, GG replaced by AT.
Molecular consequence: intron variant.
Genome position (GRCh38, 1-based): chr5:161,850,887-161,850,888, GG replaced by AT. VCF-style: chr5-161850887-GG-AT. GRCh37 (hg19) VCF-style: chr5-161277893-GG-AT.
Other names: c.74+3_74+4delinsAT (NM_000806.5, NM_001127643.2, NM_001127645.2 and 1 more transcripts).
Identifiers: ClinVar variation 969559 (VCV000969559.7), dbSNP rs1757418856, ClinGen allele CA1139659241.